The following is an entry in ClinVar:

NM_007192.4(SUPT16H):c.1868G>A (p.Arg623Gln)

Gene: SUPT16H (SPT16 homolog, facilitates chromatin remodeling subunit; minus strand). Cytogenetic location: 14q11.2.
Variant type: single nucleotide variant.
Coding change: c.1868G>A on transcript NM_007192.4 (MANE Select); coding-DNA position 1868, G replaced by A.
Protein change: p.Arg623Gln; replaces arginine 623 with glutamine.
Molecular consequence: missense variant.
Genome position (GRCh38, 1-based): chr14:21,361,139, C>T on the plus strand (G>A on the coding strand, the complement: SUPT16H is on the minus strand). VCF-style: chr14-21361139-C-T. GRCh37 (hg19) VCF-style: chr14-21829298-C-T.
Other names: short protein forms R623Q.
Identifiers: ClinVar variation 1710860 (VCV001710860.3), dbSNP rs1886542473, ClinGen allele CA388863993.

ClinVar aggregate classification (germline): Uncertain significance. Review status: criteria provided, multiple submitters, no conflicts (2 of 4 stars). 2 submissions from 2 submitters: Uncertain significance (2). Last evaluated 2024-09-30.

Conditions:
Inborn genetic diseases. Identifiers: MedGen C0950123, MeSH D030342.

Allele frequency attached by ClinVar (database versions not stated): TOPMed 0.00001.

Submissions (2):

Ambry Genetics
Classification: Uncertain significance for Inborn genetic diseases. Last evaluated: 2024-09-30. Review status: criteria provided, single submitter. Criteria: Ambry Variant Classification Scheme 2023. Collection method: clinical testing. Allele origin: germline.

GeneDx
Classification: Uncertain significance. Last evaluated: 2022-04-12. Review status: criteria provided, single submitter. Criteria: GeneDx Variant Classification Process June 2021. Collection method: clinical testing. Allele origin: germline. Affected: yes.
Comment: Not observed at significant frequency in large population cohorts (gnomAD); In silico analysis supports that this missense variant has a deleterious effect on protein structure/function; Has not been previously published as pathogenic or benign to our knowledge